The following is an entry in ClinVar:

ClinVar aggregate classification (germline): Uncertain significance. Review status: reviewed by expert panel (3 of 4 stars). 3 submissions from 3 submitters: Uncertain significance (1). 2 of the submissions do not count toward it. Last evaluated 2025-10-28.

Conditions:
Hereditary cancer-predisposing syndrome. Also called: Hereditary Cancer Syndrome; Tumor predisposition; Hereditary neoplastic syndrome; Neoplastic Syndromes, Hereditary. Identifiers: Orphanet 140162, MedGen C0027672, MeSH D009386, MONDO:0015356.
DICER1-related tumor predisposition. Also called: DICER1-related pleuropulmonary blastoma cancer predisposition syndrome; DICER1 syndrome. Identifiers: Orphanet 284343, MedGen C3839822, MONDO:0100216.

Submissions (3):

ClinGen DICER1 and miRNA-Processing Gene Variant Curation Expert Panel, ClinGen
Classification: Uncertain significance for DICER1-related tumor predisposition. Last evaluated: 2025-10-28. Review status: reviewed by expert panel. Criteria: ClinGen DICER1 ACMG Specifications DICER1 V1.4.0. Collection method: curation. Allele origin: germline. Inheritance: Autosomal dominant inheritance.
Comment: The NM_177438.3:c.1261G>A variant in DICER1 is a missense variant predicted to cause substitution of aspartic acid by asparagine at amino acid 421 (p.Asp421Asn). Although this variant has been observed in individuals undergoing genetic sequencing, to our knowledge, this variant has not been reported in individuals with DICER1-related tumor predisposition (PS4 not met; Internal lab contributors). This variant has an allele frequency of 0.0000006197 (1/1613812 alleles) across gnomAD v4.1.0 with no more than one allele in any subpopulation, which is lower than the ClinGen DICER1 VCEP threshold (<0.000005) for PM2_Supporting, and therefore meets this criterion (PM2_Supporting). In silico tools predict no damaging impact of the variant on protein function (REVEL: 0.141; MaxEntScan and SpliceAI: no effect on splicing) (BP4). In summary, this variant meets the criteria to be classified as Uncertain Significance for DICER1-related tumor predisposition based on the ACMG/AMP criteria applied, as specified by the ClinGen DICER1 VCEP: PM2_Supporting, BP4. (Bayesian Points: 0; VCEP specifications version 1.4.0; 10/28/2025).

Ambry Genetics
Classification: Likely benign for Hereditary cancer-predisposing syndrome. Last evaluated: 2024-03-26. Review status: criteria provided, single submitter. Criteria: Ambry Variant Classification Scheme 2023. Collection method: clinical testing. Allele origin: germline. Not counted in ClinVar's aggregate classification.

Labcorp Genetics (formerly Invitae), Labcorp
Classification: Uncertain significance for DICER1-related tumor predisposition. Last evaluated: 2020-07-23. Review status: criteria provided, single submitter. Criteria: Invitae Variant Classification Sherloc (09022015). Collection method: clinical testing. Allele origin: germline. Not counted in ClinVar's aggregate classification.
Comment: This sequence change replaces aspartic acid with asparagine at codon 421 of the DICER1 protein (p.Asp421Asn). The aspartic acid residue is highly conserved and there is a small physicochemical difference between aspartic acid and asparagine. This variant is not present in population databases (ExAC no frequency). In summary, the available evidence is currently insufficient to determine the role of this variant in disease. Therefore, it has been classified as a Variant of Uncertain Significance. Algorithms developed to predict the effect of missense changes on protein structure and function are either unavailable or do not agree on the potential impact of this missense change (SIFT: "Tolerated"; PolyPhen-2: "Probably Damaging"; Align-GVGD: "Class C0"). This variant has not been reported in the literature in individuals with DICER1-related conditions.

NM_177438.3(DICER1):c.1261G>A (p.Asp421Asn)

Gene: DICER1 (dicer 1, ribonuclease III; minus strand). Cytogenetic location: 14q32.13.
Variant type: single nucleotide variant.
Coding change: c.1261G>A on transcript NM_177438.3 (MANE Select); coding-DNA position 1261, G replaced by A.
Protein change: p.Asp421Asn; replaces aspartic acid 421 with asparagine.
Molecular consequence: missense variant.
Genome position (GRCh38, 1-based): chr14:95,124,311, C>T on the plus strand (G>A on the coding strand, the complement: DICER1 is on the minus strand). VCF-style: chr14-95124311-C-T. GRCh37 (hg19) VCF-style: chr14-95590648-C-T.
Other names: NM_177438.3(DICER1):c.1261G>A; p.Asp421Asn; c.1261G>A (NM_177438.2); c.1261G>A, p.Asp421Asn (NM_001195573.1, NM_001271282.3, NM_001291628.2 and 1 more transcripts); short protein forms D421N.
Identifiers: ClinVar variation 1055290 (VCV001055290.12), dbSNP rs1595438495, ClinGen allele CA390886446.
Genomic context (GRCh38, chr14:95,124,311, plus strand): 5'-TGTTGGTAAAAGGAGAAGGAAAATTTGTCTCTGGCTTCTCTTTTTCTTCAATTTCTTCAT[C>T]CTCATCATCATCCTCAGAATCACTCCATGACACATAATTATCCTGATTTCTATTATTATA-3'
Protein context (NP_803187.1, residues 411-431): SWSDSEDDDE[Asp421Asn]EEIEEKEKPE